The following is an entry in ClinVar:

ClinVar aggregate classification (germline): Conflicting classifications of pathogenicity. Review status: criteria provided, conflicting classifications (1 of 4 stars). 4 submissions from 4 submitters: Uncertain significance (3); Benign (1). Last evaluated 2025-09-14.

Conditions:
Hereditary cancer-predisposing syndrome. Also called: Neoplastic Syndromes, Hereditary; Tumor predisposition; Hereditary Cancer Syndrome; Hereditary neoplastic syndrome. Identifiers: Orphanet 140162, MedGen C0027672, MeSH D009386, MONDO:0015356.
BAP1-related tumor predisposition syndrome (TPDS1). Also called: BAP1 tumor predisposition syndrome; COMMON Syndrome; TUMOR PREDISPOSITION SYNDROME 1; Tumor susceptibility linked to germline BAP1 mutations. Identifiers: Orphanet 289539, MedGen C3280492, MONDO:0013692, OMIM 614327.

Allele frequency attached by ClinVar (database versions not stated): gnomAD exomes below 0.00001 and 0.00001; gnomAD 0.00001; TOPMed 0.00001.

Submissions (4):

Labcorp Genetics (formerly Invitae), Labcorp
Classification: Uncertain significance for BAP1-related tumor predisposition syndrome. Last evaluated: 2025-09-14. Review status: criteria provided, single submitter. Criteria: Invitae Variant Classification Sherloc (09022015). Collection method: clinical testing. Allele origin: germline.
Comment: This sequence change replaces aspartic acid, which is acidic and polar, with asparagine, which is neutral and polar, at codon 404 of the BAP1 protein (p.Asp404Asn). This variant is present in population databases (no rsID available, gnomAD 0.007%). This variant has not been reported in the literature in individuals affected with BAP1-related conditions. ClinVar contains an entry for this variant (Variation ID: 472661). Invitae Evidence Modeling of protein sequence and biophysical properties (such as structural, functional, and spatial information, amino acid conservation, physicochemical variation, residue mobility, and thermodynamic stability) indicates that this missense variant is not expected to disrupt BAP1 protein function with a negative predictive value of 80%. In summary, the available evidence is currently insufficient to determine the role of this variant in disease. Therefore, it has been classified as a Variant of Uncertain Significance.

Ambry Genetics
Classification: Benign for Hereditary cancer-predisposing syndrome. Last evaluated: 2025-05-19. Review status: criteria provided, single submitter. Criteria: Ambry Variant Classification Scheme 2023. Collection method: clinical testing. Allele origin: germline.

Color Diagnostics, LLC DBA Color Health
Classification: Uncertain significance for Hereditary cancer-predisposing syndrome. Last evaluated: 2025-03-24. Review status: criteria provided, single submitter. Criteria: ACMG Guidelines, 2015. Collection method: clinical testing. Allele origin: germline.
Comment: This missense variant replaces aspartic acid with asparagine at codon 404 of the BAP1 protein. Computational prediction suggests that this variant may not impact protein structure and function (internally defined REVEL score threshold <= 0.5, PMID: 27666373). To our knowledge, functional studies have not been reported for this variant. This variant has not been reported in individuals affected with BAP1-related disorders in the literature. This variant has been identified in 1/248744 chromosomes in the general population by the Genome Aggregation Database (gnomAD). The available evidence is insufficient to determine the role of this variant in disease conclusively. Therefore, this variant is classified as a Variant of Uncertain Significance.

Baylor Genetics
Classification: Uncertain significance for BAP1-related tumor predisposition syndrome. Last evaluated: 2023-10-16. Review status: criteria provided, single submitter. Criteria: ACMG Guidelines, 2015. Collection method: clinical testing. Allele origin: unknown.

Literature cited by the submitters: PubMed 38969833 (cited by Ambry Genetics).

NM_004656.4(BAP1):c.1210G>A (p.Asp404Asn)

Gene: BAP1 (BRCA1 associated deubiquitinase 1; minus strand). Cytogenetic location: 3p21.1.
Variant type: single nucleotide variant.
Coding change: c.1210G>A on transcript NM_004656.4 (MANE Select); coding-DNA position 1210, G replaced by A.
Protein change: p.Asp404Asn; replaces aspartic acid 404 with asparagine.
Molecular consequence: missense variant.
Genome position (GRCh38, 1-based): chr3:52,404,493, C>T on the plus strand (G>A on the coding strand, the complement: BAP1 is on the minus strand). VCF-style: chr3-52404493-C-T. GRCh37 (hg19) VCF-style: chr3-52438509-C-T.
Other names: short protein forms D404N.
Identifiers: ClinVar variation 472661 (VCV000472661.18), dbSNP rs1035262201, ClinGen allele CA74741370.